The following is an entry in ClinVar:

ClinVar aggregate classification (germline): Uncertain significance (1 of 4 stars; one submission).

Submission:

Labcorp Genetics (formerly Invitae), Labcorp
Classification: Uncertain significance. Last evaluated: 2025-12-03. Review status: criteria provided, single submitter. Criteria: Invitae Variant Classification Sherloc (09022015). Collection method: clinical testing. Allele origin: germline.
Comment: This sequence change falls in intron 19 of the TCIRG1 gene. It does not directly change the encoded amino acid sequence of the TCIRG1 protein. This variant is not present in population databases (gnomAD no frequency). This variant has not been reported in the literature in individuals affected with TCIRG1-related conditions. Algorithms developed to predict the effect of sequence changes on RNA splicing suggest that this variant may disrupt the consensus splice site. In summary, the available evidence is currently insufficient to determine the role of this variant in disease. Therefore, it has been classified as a Variant of Uncertain Significance.

NM_006019.4(TCIRG1):c.2415-16T>A

Gene: TCIRG1 (T cell immune regulator 1, ATPase H+ transporting V0 subunit a3; plus strand). Cytogenetic location: 11q13.2.
Variant type: single nucleotide variant.
Coding change: c.2415-16T>A on transcript NM_006019.4 (MANE Select); 16 bases into the intron before coding-DNA position 2415, T replaced by A.
Molecular consequence: intron variant.
Genome position (GRCh38, 1-based): chr11:68,050,725, T>A. VCF-style: chr11-68050725-T-A. GRCh37 (hg19) VCF-style: chr11-67818192-T-A.
Other names: c.2415-16T>A (NM_001440552.1, NM_001440553.1, NM_001440554.1); c.2237-16T>A (NM_001440557.1, NM_001440558.1); c.2202-16T>A (NM_001440559.1, NM_001440561.1, NM_001440560.1 and 1 more transcripts); c.1455-16T>A (NM_001440569.1); c.2024-16T>A (NM_001440566.1); c.2373-16T>A (NM_001440555.1, NM_001440556.1); c.1521-16T>A (NM_001351059.2); c.1953-16T>A (NM_001440567.1); and 5 more.
Identifiers: ClinVar variation 4707991 (VCV004707991.1).